The following is an entry in ClinVar:

NM_001037333.3(CYFIP2):c.2006T>C (p.Leu669Pro)

Gene: CYFIP2 (cytoplasmic FMR1 interacting protein 2; plus strand). Cytogenetic location: 5q33.3.
Variant type: single nucleotide variant.
Coding change: c.2006T>C on transcript NM_001037333.3 (MANE Select); coding-DNA position 2006, T replaced by C.
Protein change: p.Leu669Pro; replaces leucine 669 with proline.
Molecular consequence: missense variant.
Genome position (GRCh38, 1-based): chr5:157,326,194, T>C. VCF-style: chr5-157326194-T-C. GRCh37 (hg19) VCF-style: chr5-156753202-T-C.
Other names: c.1928T>C, p.Leu643Pro (NM_001291721.2); c.2081T>C, p.Leu694Pro (NM_001291722.2); c.2006T>C, p.Leu669Pro (NM_014376.4); short protein forms L669P, L694P, L643P.
Identifiers: ClinVar variation 4713549 (VCV004713549.1).

ClinVar aggregate classification (germline): Uncertain significance (1 of 4 stars; one submission).

Submission:

Labcorp Genetics (formerly Invitae), Labcorp
Classification: Uncertain significance. Last evaluated: 2025-02-20. Review status: criteria provided, single submitter. Criteria: Invitae Variant Classification Sherloc (09022015). Collection method: clinical testing. Allele origin: germline.
Comment: This sequence change replaces leucine, which is neutral and non-polar, with proline, which is neutral and non-polar, at codon 669 of the CYFIP2 protein (p.Leu669Pro). This variant is not present in population databases (gnomAD no frequency). This variant has not been reported in the literature in individuals affected with CYFIP2-related conditions. Experimental studies and prediction algorithms are not available or were not evaluated, and the functional significance of this variant is currently unknown. In summary, the available evidence is currently insufficient to determine the role of this variant in disease. Therefore, it has been classified as a Variant of Uncertain Significance.